The following is an entry in ClinVar:

NM_006662.3(SRCAP):c.1516G>A (p.Asp506Asn)

Gene: SRCAP (Snf2 related CREBBP activator protein; plus strand). Cytogenetic location: 16p11.2.
Variant type: single nucleotide variant.
Coding change: c.1516G>A on transcript NM_006662.3 (MANE Select); coding-DNA position 1516, G replaced by A.
Protein change: p.Asp506Asn; replaces aspartic acid 506 with asparagine.
Molecular consequence: missense variant.
Genome position (GRCh38, 1-based): chr16:30,711,858, G>A. VCF-style: chr16-30711858-G-A. GRCh37 (hg19) VCF-style: chr16-30723179-G-A.
Other names: short protein forms D506N.
Identifiers: ClinVar variation 4687802 (VCV004687802.1).

ClinVar aggregate classification (germline): Uncertain significance (1 of 4 stars; one submission).

Submission:

Women's Health and Genetics/Laboratory Corporation of America, LabCorp
Classification: Uncertain significance. Last evaluated: 2025-10-23. Review status: criteria provided, single submitter. Criteria: LabCorp Variant Classification Summary - May 2015. Collection method: clinical testing. Allele origin: germline.
Comment: Variant summary: SRCAP c.1516G>A (p.Asp506Asn) results in a conservative amino acid change in the encoded protein sequence. Algorithms developed to predict the effect of missense changes on protein structure and function are either unavailable or do not agree on the potential impact of this missense change. The variant was absent in 251116 control chromosomes. The available data on variant occurrences in the general population are insufficient to allow any conclusion about variant significance. To our knowledge, no occurrence of c.1516G>A in individuals affected with SRCAP-related conditions and no experimental evidence demonstrating its impact on protein function have been reported. No submitters have cited clinical-significance assessments for this variant to ClinVar. Based on the evidence outlined above, the variant was classified as uncertain significance.